The following is an entry in ClinVar:

NM_003242.6(TGFBR2):c.443T>C (p.Ile148Thr)

Gene: TGFBR2 (transforming growth factor beta receptor 2; plus strand). Cytogenetic location: 3p24.1.
Variant type: single nucleotide variant.
Coding change: c.443T>C on transcript NM_003242.6 (MANE Select); coding-DNA position 443, T replaced by C.
Protein change: p.Ile148Thr; replaces isoleucine 148 with threonine.
Molecular consequence: missense variant. On other transcripts: intron variant (2).
Genome position (GRCh38, 1-based): chr3:30,650,449, T>C. VCF-style: chr3-30650449-T-C. GRCh37 (hg19) VCF-style: chr3-30691941-T-C.
Other names: c.443T>C, p.Ile148Thr (NM_001407127.1, NM_001407130.1); c.518T>C, p.Ile173Thr (NM_001024847.3, NM_001407126.1, NM_001407139.1); c.470T>C, p.Ile157Thr (NM_001407128.1); c.338T>C, p.Ile113Thr (NM_001407129.1, NM_001407132.1, NM_001407133.1 and 3 more transcripts); c.170-21189T>C (NM_001407137.1); c.95-21189T>C (NM_001407138.1); short protein forms I113T, I148T, I157T, I173T.
Identifiers: ClinVar variation 3073797 (VCV003073797.1), dbSNP rs2125410741, ClinGen allele CA351807110.

ClinVar aggregate classification (germline): Uncertain significance (1 of 4 stars; one submission).

Conditions:
Loeys-Dietz syndrome 2 (LDS2). Also called: TGFBR2-Related Loeys-Dietz Syndrome; AORTIC ANEURYSM, FAMILIAL THORACIC 3; MARFAN SYNDROME, TYPE II; Marfan syndrome, type 2 (formerly); Marfan Syndrome type 2; Marfan like connective tissue disorder. Identifiers: Orphanet 284973, Orphanet 558, MedGen C2674574, MONDO:0012427, OMIM 610168.

Allele frequency attached by ClinVar (database versions not stated): gnomAD exomes below 0.00001.
gnomAD v4.1: 1 of 1,613,990 alleles (0.000062%); highest among the groups gnomAD compares: Non-Finnish European, 0.000085%; no homozygotes.

Submission:

All of Us Research Program, National Institutes of Health
Classification: Uncertain significance for Loeys-Dietz syndrome 2. Last evaluated: 2023-10-06. Review status: criteria provided, single submitter. Criteria: ACMG Guidelines, 2015. Collection method: clinical testing. Allele origin: germline. Inheritance: Autosomal dominant inheritance. Observed: 1 variant allele, 1 heterozygote.
Comment: This missense variant replaces isoleucine with threonine at codon 148 of the TGFBR2 protein. Computational prediction is inconclusive regarding the impact of this variant on protein structure and function (internally defined REVEL score threshold 0.5 < inconclusive < 0.7, PMID: 27666373). To our knowledge, functional studies have not been reported for this variant. This variant has not been reported in individuals affected with TGFBR2-related disorders in the literature. This variant has not been identified in the general population by the Genome Aggregation Database (gnomAD). The available evidence is insufficient to determine the role of this variant in disease conclusively. Therefore, this variant is classified as a Variant of Uncertain Significance.

This study involves interpretation of variants in research participants for the purpose of population health screening. Participant phenotype was not available at the time of variant classification. Additional details can be found in publication PMID: 35346344, PMCID: PMC8962531